The following is an entry in ClinVar:

NM_019844.4(SLCO1B3):c.1648A>G (p.Thr550Ala)

Genes: SLCO1B3 (solute carrier organic anion transporter family member 1B3; plus strand), SLCO1B3-SLCO1B7 (SLCO1B3-SLCO1B7 readthrough; plus strand). Cytogenetic location: 12p12.2.
Variant type: single nucleotide variant.
Coding change: c.1648A>G on transcript NM_019844.4 (MANE Select); coding-DNA position 1648, A replaced by G.
Protein change: p.Thr550Ala; replaces threonine 550 with alanine.
Molecular consequence: missense variant.
Genome position (GRCh38, 1-based): chr12:20,883,568, A>G. VCF-style: chr12-20883568-A-G. GRCh37 (hg19) VCF-style: chr12-21036502-A-G.
Other names: c.1648A>G, p.Thr550Ala (NM_001371097.1); c.1564A>G, p.Thr522Ala (NM_001349920.2); short protein forms T522A, T550A.
Identifiers: ClinVar variation 3356221 (VCV003356221.1).

ClinVar aggregate classification (germline): Uncertain significance (0 of 4 stars; one submission).

Conditions:
SLCO1B3-related disorder. Also called: SLCO1B3-related condition.

gnomAD v4.1: 383 of 1,599,768 alleles (0.024%); highest among the groups gnomAD compares: Admixed American, 0.048%; 1 homozygote.

Submission:

PreventionGenetics, part of Exact Sciences
Classification: Uncertain significance for SLCO1B3-related condition. Last evaluated: 2024-05-29. Review status: no assertion criteria provided. Collection method: clinical testing. Allele origin: germline.
Comment: The SLCO1B3 c.1648A>G variant is predicted to result in the amino acid substitution p.Thr550Ala. To our knowledge, this variant has not been reported in the literature in individuals with SLCO1B3-related disorders. This variant is reported in 0.035% of alleles in individuals of Latino descent, and in one homozygote in gnomAD. At this time, the clinical significance of this variant is uncertain due to the absence of conclusive functional and genetic evidence.